The following is an entry in ClinVar:

ClinVar aggregate classification (germline): Conflicting classifications of pathogenicity. Review status: criteria provided, conflicting classifications (1 of 4 stars). 10 submissions from 10 submitters: Uncertain significance (1); Benign (2); Likely benign (4). 3 of the submissions do not count toward it. Last evaluated 2026-02-01.

Conditions:
Pseudohypoaldosteronism type 2C (PHA2C). Also called: Pseudohypoaldosteronism Type IIC. Identifiers: Orphanet 757, Orphanet 88940, MedGen C1840391, MONDO:0013778, OMIM 614492.
Neuropathy, hereditary sensory and autonomic, type 2A (HSAN2A). Also called: ACROOSTEOLYSIS, GIACCAI TYPE; ACROOSTEOLYSIS, NEUROGENIC; HSAN IIA; WNK1-Related HSAN2 (HSAN2A); NEUROPATHY, HEREDITARY SENSORY RADICULAR, AUTOSOMAL RECESSIVE; MORVAN DISEASE. Identifiers: Orphanet 970, MedGen C2752089, MONDO:0024309, OMIM 201300.

Allele frequency attached by ClinVar (database versions not stated): ExAC 0.00133; 1000 Genomes Project 0.00140; 1000 Genomes Project 30x 0.00141; gnomAD exomes 0.00141 and 0.00169; gnomAD 0.00160 and 0.00168; ESP Exome Variant Server 0.00185; TOPMed 0.00212.
gnomAD v4.1: 2,724 of 1,614,178 alleles (0.17%); highest among the groups gnomAD compares: Middle Eastern, 0.33%; 4 homozygotes.

Submissions (10):

CeGaT Center for Human Genetics Tuebingen
Classification: Likely benign. Last evaluated: 2026-02-01. Review status: criteria provided, single submitter. Criteria: CeGaT Center For Human Genetics Tuebingen Variant Classification Criteria Version 2. Collection method: clinical testing. Allele origin: germline. Affected: yes. Observed: 7 variant alleles.
Comment: WNK1: BP4, BP7

Labcorp Genetics (formerly Invitae), Labcorp
Classification: Likely benign for Neuropathy, hereditary sensory and autonomic, type 2A; Pseudohypoaldosteronism type 2C. Last evaluated: 2026-01-11. Review status: criteria provided, single submitter. Criteria: Invitae Variant Classification Sherloc (09022015). Collection method: clinical testing. Allele origin: germline.

Blueprint Genetics
Classification: Likely benign. Last evaluated: 2024-11-20. Review status: criteria provided, single submitter. Criteria: ACMG Guidelines, 2015. Collection method: clinical testing. Allele origin: germline.

Mayo Clinic Laboratories, Mayo Clinic
Classification: Benign. Last evaluated: 2023-12-13. Review status: criteria provided, single submitter. Criteria: ACMG Guidelines, 2015. Collection method: clinical testing. Allele origin: germline. Observed: 7 variant alleles.
Comment: BS1, BS2, BP4, BP7

ARUP Laboratories, Molecular Genetics and Genomics, ARUP Laboratories
Classification: Likely benign. Last evaluated: 2021-05-12. Review status: criteria provided, single submitter. Criteria: ARUP Molecular Germline Variant Investigation Process 2021. Collection method: clinical testing. Allele origin: germline.

Illumina Laboratory Services, Illumina
Classification: Benign for Pseudohypoaldosteronism type 2C. Last evaluated: 2018-01-12. Review status: criteria provided, single submitter. Criteria: ICSL Variant Classification Criteria 13 December 2019. Collection method: clinical testing. Allele origin: germline.
Comment: This variant was observed in the ICSL laboratory as part of a predisposition screen in an ostensibly healthy population. It had not been previously curated by ICSL or reported in the Human Gene Mutation Database (HGMD: prior to June 1st, 2018), and was therefore a candidate for classification through an automated scoring system. Utilizing variant allele frequency, disease prevalence and penetrance estimates, and inheritance mode, an automated score was calculated to assess if this variant is too frequent to cause the disease. Based on the score and internal cut-off values, a variant classified as benign is not then subjected to further curation. The score for this variant resulted in a classification of benign for this disease.

Eurofins Ntd Llc (ga)
Classification: Uncertain significance. Last evaluated: 2016-08-15. Review status: criteria provided, single submitter. Criteria: EGL Classification Definitions 2015. Collection method: clinical testing. Allele origin: germline. Observed: 1 variant allele, 1 heterozygote.

Clinical Genetics DNA and cytogenetics Diagnostics Lab, Erasmus MC, Erasmus Medical Center
Classification: Likely benign. Review status: no assertion criteria provided. Collection method: clinical testing. Allele origin: germline. Affected: yes. Study: VKGL Data-share Consensus. Not counted in ClinVar's aggregate classification.

Clinical Genetics, Academic Medical Center
Classification: Likely benign. Review status: no assertion criteria provided. Collection method: clinical testing. Allele origin: germline. Affected: yes. Study: VKGL Data-share Consensus. Not counted in ClinVar's aggregate classification.

Genome Diagnostics Laboratory, University Medical Center Utrecht
Classification: Likely benign. Review status: no assertion criteria provided. Collection method: clinical testing. Allele origin: germline. Affected: yes. Study: VKGL Data-share Consensus. Not counted in ClinVar's aggregate classification.

NM_018979.4(WNK1):c.1074C>T (p.Thr358=)

Gene: WNK1 (WNK lysine deficient protein kinase 1; plus strand). Cytogenetic location: 12p13.33.
Variant type: single nucleotide variant.
Coding change: c.1074C>T on transcript NM_018979.4 (MANE Select); coding-DNA position 1074, C replaced by T.
Protein change: p.Thr358=; no amino-acid change (threonine 358 retained).
Molecular consequence: synonymous variant.
Genome position (GRCh38, 1-based): chr12:827,183, C>T. VCF-style: chr12-827183-C-T. GRCh37 (hg19) VCF-style: chr12-936349-C-T.
Other names: p.Thr358=; c.1074C>T, p.Thr358= (NM_001184985.2, NM_014823.3, NM_213655.5).
Identifiers: ClinVar variation 289745 (VCV000289745.93), dbSNP rs72648621, ClinGen allele CA6381881.